The following is an entry in ClinVar:

NM_004881.5(TP53I3):c.804T>C (p.Ser268=)

Genes: FAM228B (family with sequence similarity 228 member B; plus strand), TP53I3 (tumor protein p53 inducible protein 3; minus strand). Cytogenetic location: 2p23.3.
Variant type: single nucleotide variant.
Coding change: c.804T>C on transcript NM_004881.5 (MANE Select); coding-DNA position 804, T replaced by C.
Protein change: p.Ser268=; no amino-acid change (serine 268 retained).
Molecular consequence: synonymous variant. On other transcripts: intron variant (2).
Genome position (GRCh38, 1-based): chr2:24,079,456, A>G on the plus strand (T>C on the coding strand, the complement: TP53I3 is on the minus strand). VCF-style: chr2-24079456-A-G. GRCh37 (hg19) VCF-style: chr2-24302326-A-G.
Other names: c.804T>C, p.Ser268= (NM_147184.4); c.-289-1420A>G (NM_001291328.2); c.619+1363T>C (NM_001206802.2).
Identifiers: ClinVar variation 3054842 (VCV003054842.2), dbSNP rs752742554, ClinGen allele CA1549545.
Genomic context (GRCh38, chr2:24,079,456, plus strand): 5'-ACACTTTTCTGGGTTAAATCACATGTTTTCTTTTCATTCATCACTCACCTTATTGTCCCT[A>G]GACCTCAGCAAACTGGTGATCAGACTTCCTCGCTTAAAAAGTAGCTTTGAAAACAGGGGC-3'
Protein context (NP_004872.2, residues 258-278): RGSLITSLLR[Ser268=]RDNKYKQMLV

ClinVar aggregate classification (germline): Likely benign (0 of 4 stars; one submission).

Conditions:
TP53I3-related disorder. Also called: TP53I3-related condition.

Allele frequency attached by ClinVar (database versions not stated): TOPMed 0.00002; ExAC 0.00002; gnomAD 0.00002; gnomAD exomes 0.00001.
gnomAD v4.1: 11 of 1,614,070 alleles (0.00068%); highest among the groups gnomAD compares: Admixed American, 0.018%; no homozygotes.

Submission:

PreventionGenetics, part of Exact Sciences
Classification: Likely benign for TP53I3-related condition. Last evaluated: 2023-03-17. Review status: no assertion criteria provided. Collection method: clinical testing. Allele origin: germline.
Comment: This variant is classified as likely benign based on ACMG/AMP sequence variant interpretation guidelines (Richards et al. 2015 PMID: 25741868, with internal and published modifications).